The following is an entry in ClinVar:

NM_133443.4(GPT2):c.1461G>A (p.Arg487=)

Gene: GPT2 (glutamic--pyruvic transaminase 2; plus strand). Cytogenetic location: 16q11.2.
Variant type: single nucleotide variant.
Coding change: c.1461G>A on transcript NM_133443.4 (MANE Select); coding-DNA position 1461, G replaced by A.
Protein change: p.Arg487=; no amino-acid change (arginine 487 retained).
Molecular consequence: synonymous variant.
Genome position (GRCh38, 1-based): chr16:46,927,017, G>A. VCF-style: chr16-46927017-G-A. GRCh37 (hg19) VCF-style: chr16-46960929-G-A.
Other names: c.1161G>A, p.Arg387= (NM_001142466.3).
Identifiers: ClinVar variation 2672633 (VCV002672633.23), dbSNP rs775188100, ClinGen allele CA8038932.

ClinVar aggregate classification (germline): Likely benign (1 of 4 stars; one submission).

Allele frequency attached by ClinVar (database versions not stated): TOPMed below 0.00001; gnomAD 0.00001; ExAC 0.00002; gnomAD exomes 0.00002.
gnomAD v4.1: 22 of 1,603,974 alleles (0.0014%); highest among the groups gnomAD compares: Non-Finnish European, 0.0019%; no homozygotes.

Submission:

CeGaT Center for Human Genetics Tuebingen
Classification: Likely benign. Last evaluated: 2023-11-01. Review status: criteria provided, single submitter. Criteria: CeGaT Center For Human Genetics Tuebingen Variant Classification Criteria Version 2. Collection method: clinical testing. Allele origin: germline. Affected: yes. Observed: 1 variant allele.
Comment: GPT2: BP4, BP7